The following is an entry in ClinVar:

NM_000434.4(NEU1):c.427G>A (p.Val143Met)

Gene: NEU1 (neuraminidase 1; minus strand). Cytogenetic location: 6p21.33.
Variant type: single nucleotide variant.
Coding change: c.427G>A on transcript NM_000434.4 (MANE Select); coding-DNA position 427, G replaced by A.
Protein change: p.Val143Met; replaces valine 143 with methionine.
Molecular consequence: missense variant.
Genome position (GRCh38, 1-based): chr6:31,861,376, C>T on the plus strand (G>A on the coding strand, the complement: NEU1 is on the minus strand). VCF-style: chr6-31861376-C-T. GRCh37 (hg19) VCF-style: chr6-31829153-C-T.
Other names: p.Val143Met; short protein forms V143M.
Identifiers: ClinVar variation 3404447 (VCV003404447.3).
Genomic context (GRCh38, chr6:31,861,376, plus strand): 5'-CGGCCTTGTGAGCACAAAGGGAGTAGAAAAGAAATACTACTCCTGTCTCAACATCGCTCA[C>T]TACTGCCCCAAGGTTCAGCCCATCGGGGACATCCCCATCATTGACAATGAACGCTGTAGG-3'
Protein context (NP_000425.1, residues 133-153): VPDGLNLGAV[Val143Met]SDVETGVVFL

ClinVar aggregate classification (germline): Uncertain significance. Review status: criteria provided, multiple submitters, no conflicts (2 of 4 stars). 3 submissions from 3 submitters: Uncertain significance (3). Last evaluated 2024-12-18.

Conditions:
Inborn genetic diseases. Identifiers: MedGen C0950123, MeSH D030342.

gnomAD v4.1: 14 of 1,612,906 alleles (0.00087%); highest among the groups gnomAD compares: Non-Finnish European, 0.0012%; no homozygotes.

Submissions (3):

Labcorp Genetics (formerly Invitae), Labcorp
Classification: Uncertain significance. Last evaluated: 2024-12-18. Review status: criteria provided, single submitter. Criteria: Invitae Variant Classification Sherloc (09022015). Collection method: clinical testing. Allele origin: germline.
Comment: This sequence change replaces valine, which is neutral and non-polar, with methionine, which is neutral and non-polar, at codon 143 of the NEU1 protein (p.Val143Met). This variant is present in population databases (rs750816847, gnomAD 0.002%). This variant has not been reported in the literature in individuals affected with NEU1-related conditions. Invitae Evidence Modeling of protein sequence and biophysical properties (such as structural, functional, and spatial information, amino acid conservation, physicochemical variation, residue mobility, and thermodynamic stability) indicates that this missense variant is not expected to disrupt NEU1 protein function with a negative predictive value of 80%. This variant disrupts the p.Val143 amino acid residue in NEU1. Other variant(s) that disrupt this residue have been determined to be pathogenic (PMID: 38600684). This suggests that this residue is clinically significant, and that variants that disrupt this residue are likely to be disease-causing. In summary, the available evidence is currently insufficient to determine the role of this variant in disease. Therefore, it has been classified as a Variant of Uncertain Significance.

Ambry Genetics
Classification: Uncertain significance for Inborn genetic diseases. Last evaluated: 2024-12-10. Review status: criteria provided, single submitter. Criteria: Ambry Variant Classification Scheme 2023. Collection method: clinical testing. Allele origin: germline.

Mayo Clinic Laboratories, Mayo Clinic
Classification: Uncertain significance. Last evaluated: 2024-11-04. Review status: criteria provided, single submitter. Criteria: ACMG Guidelines, 2015. Collection method: clinical testing. Allele origin: germline. Observed: 1 variant allele.
Comment: PP3, PM2_supporting

Literature cited by the submitters: PubMed 38600684 (cited by Labcorp Genetics (formerly Invitae), Labcorp).